The following is an entry in ClinVar:

ClinVar aggregate classification (germline): Uncertain significance (1 of 4 stars; one submission).

Allele frequency attached by ClinVar (database versions not stated): gnomAD exomes below 0.00001.
gnomAD v4.1: 6 of 1,550,398 alleles (0.00039%); highest among the groups gnomAD compares: Non-Finnish European, 0.00052%; no homozygotes.

Submission:

Labcorp Genetics (formerly Invitae), Labcorp
Classification: Uncertain significance. Last evaluated: 2022-02-20. Review status: criteria provided, single submitter. Criteria: Invitae Variant Classification Sherloc (09022015). Collection method: clinical testing. Allele origin: germline.
Comment: This sequence change replaces glycine, which is neutral and non-polar, with aspartic acid, which is acidic and polar, at codon 1796 of the ZNF469 protein (p.Gly1796Asp). This variant is not present in population databases (gnomAD no frequency). This variant has not been reported in the literature in individuals affected with ZNF469-related conditions. Algorithms developed to predict the effect of missense changes on protein structure and function output the following: SIFT: "Tolerated"; PolyPhen-2: "Benign"; Align-GVGD: "Class C0". The aspartic acid amino acid residue is found in multiple mammalian species, which suggests that this missense change does not adversely affect protein function. In summary, the available evidence is currently insufficient to determine the role of this variant in disease. Therefore, it has been classified as a Variant of Uncertain Significance.

NM_001367624.2(ZNF469):c.5471G>A (p.Gly1824Asp)

Gene: ZNF469 (zinc finger protein 469; plus strand). Cytogenetic location: 16q24.2.
Variant type: single nucleotide variant.
Coding change: c.5471G>A on transcript NM_001367624.2 (MANE Select); coding-DNA position 5471, G replaced by A.
Protein change: p.Gly1824Asp; replaces glycine 1824 with aspartic acid.
Molecular consequence: missense variant.
Genome position (GRCh38, 1-based): chr16:88,432,941, G>A. VCF-style: chr16-88432941-G-A. GRCh37 (hg19) VCF-style: chr16-88499349-G-A.
Other names: short protein forms G1824D.
Identifiers: ClinVar variation 2100585 (VCV002100585.1), dbSNP rs1391518819, ClinGen allele CA397100674.